The following is an entry in ClinVar:

NM_006017.3(PROM1):c.1178T>G (p.Ile393Ser)

Gene: PROM1 (prominin 1; minus strand). Cytogenetic location: 4p15.32.
Variant type: single nucleotide variant.
Coding change: c.1178T>G on transcript NM_006017.3 (MANE Select); coding-DNA position 1178, T replaced by G.
Protein change: p.Ile393Ser; replaces isoleucine 393 with serine.
Molecular consequence: missense variant.
Genome position (GRCh38, 1-based): chr4:16,009,072, A>C on the plus strand (T>G on the coding strand, the complement: PROM1 is on the minus strand). VCF-style: chr4-16009072-A-C. GRCh37 (hg19) VCF-style: chr4-16010695-A-C.
Other names: c.1151T>G, p.Ile384Ser (NM_001145847.2, NM_001145848.2, NM_001145851.2 and 4 more transcripts); c.1178T>G, p.Ile393Ser (NM_001145849.2, NM_001145850.2); short protein forms I384S, I393S.
Identifiers: ClinVar variation 1486117 (VCV001486117.8), dbSNP rs773039992, ClinGen allele CA2866843.
Genomic context (GRCh38, chr4:16,009,072, plus strand): 5'-ACATAAACAGAGAATGCTGAGAGTATATCCTGAATAGGAAGACGCTGAGTTACATTGTCG[A>C]TATCTGAACCAATGGAATTCAAGACCCTTTTGATACCTGAAAACAAAGATACCTTTGTTA-3'
Protein context (NP_006008.1, residues 383-403): KRVLNSIGSD[Ile393Ser]DNVTQRLPIQ

ClinVar aggregate classification (germline): Uncertain significance (1 of 4 stars; one submission).

Allele frequency attached by ClinVar (database versions not stated): gnomAD 0.00003; ExAC 0.00010.
gnomAD v4.1: 79 of 1,612,618 alleles (0.0049%); highest among the groups gnomAD compares: South Asian, 0.086%; 3 homozygotes.

Submission:

Labcorp Genetics (formerly Invitae), Labcorp
Classification: Uncertain significance. Last evaluated: 2024-04-18. Review status: criteria provided, single submitter. Criteria: Invitae Variant Classification Sherloc (09022015). Collection method: clinical testing. Allele origin: germline.
Comment: This sequence change replaces isoleucine, which is neutral and non-polar, with serine, which is neutral and polar, at codon 393 of the PROM1 protein (p.Ile393Ser). This variant is present in population databases (rs773039992, gnomAD 0.07%). This variant has not been reported in the literature in individuals affected with PROM1-related conditions. ClinVar contains an entry for this variant (Variation ID: 1486117). Advanced modeling of protein sequence and biophysical properties (such as structural, functional, and spatial information, amino acid conservation, physicochemical variation, residue mobility, and thermodynamic stability) performed at Invitae indicates that this missense variant is expected to disrupt PROM1 protein function with a positive predictive value of 80%. In summary, the available evidence is currently insufficient to determine the role of this variant in disease. Therefore, it has been classified as a Variant of Uncertain Significance.